The following is an entry in ClinVar:

NM_001161352.2(KCNMA1):c.3506C>T (p.Thr1169Met)

Gene: KCNMA1 (potassium calcium-activated channel subfamily M alpha 1; minus strand). Cytogenetic location: 10q22.3.
Variant type: single nucleotide variant.
Coding change: c.3506C>T on transcript NM_001161352.2 (MANE Select); coding-DNA position 3506, C replaced by T.
Protein change: p.Thr1169Met; replaces threonine 1169 with methionine.
Molecular consequence: missense variant.
Genome position (GRCh38, 1-based): chr10:76,887,471, G>A on the plus strand (C>T on the coding strand, the complement: KCNMA1 is on the minus strand). VCF-style: chr10-76887471-G-A. GRCh37 (hg19) VCF-style: chr10-78647229-G-A.
Other names: c.3344C>T, p.Thr1115Met (NM_001014797.3); c.3455C>T, p.Thr1152Met (NM_001161353.2); c.3182C>T, p.Thr1061Met (NM_001271518.2); c.3422C>T, p.Thr1141Met (NM_001271519.2); c.3341C>T, p.Thr1114Met (NM_001322829.2, NM_001322836.2); c.3434C>T, p.Thr1145Met (NM_001322830.2); c.3332C>T, p.Thr1111Met (NM_001322832.2, NM_002247.4); c.3425C>T, p.Thr1142Met (NM_001322835.2, NM_001322837.2); and 1 more; short protein forms T1115M, T1111M, T1114M, T1141M, T1152M, T960M, T1169M, T1061M.
Identifiers: ClinVar variation 196017 (VCV000196017.14), dbSNP rs200284976, ClinGen allele CA242763.

ClinVar aggregate classification (germline): Uncertain significance. Review status: criteria provided, multiple submitters, no conflicts (2 of 4 stars). 3 submissions from 3 submitters: Uncertain significance (3). Last evaluated 2025-02-19.

Conditions:
Generalized epilepsy-paroxysmal dyskinesia syndrome (PNKD3). Also called: Paroxysmal nonkinesigenic dyskinesia, 3, with or without generalized epilepsy; Generalized epilepsy and paroxysmal dyskinesia. Identifiers: Orphanet 79137, MedGen C5574945, MONDO:0012276, OMIM 609446.

Allele frequency attached by ClinVar (database versions not stated): TOPMed below 0.00001; ExAC 0.00001; gnomAD 0.00001; gnomAD exomes 0.00001 and 0.00002.
gnomAD v4.1: 12 of 1,614,122 alleles (0.00074%); highest among the groups gnomAD compares: South Asian, 0.0022%; no homozygotes.

Submissions (3):

Labcorp Genetics (formerly Invitae), Labcorp
Classification: Uncertain significance for Generalized epilepsy-paroxysmal dyskinesia syndrome. Last evaluated: 2025-02-19. Review status: criteria provided, single submitter. Criteria: Invitae Variant Classification Sherloc (09022015). Collection method: clinical testing. Allele origin: germline.
Comment: This sequence change replaces threonine, which is neutral and polar, with methionine, which is neutral and non-polar, at codon 1111 of the KCNMA1 protein (p.Thr1111Met). This variant is present in population databases (rs200284976, gnomAD 0.003%). This variant has not been reported in the literature in individuals affected with KCNMA1-related conditions. ClinVar contains an entry for this variant (Variation ID: 196017). An algorithm developed to predict the effect of missense changes on protein structure and function (PolyPhen-2) suggests that this variant is likely to be disruptive. In summary, the available evidence is currently insufficient to determine the role of this variant in disease. Therefore, it has been classified as a Variant of Uncertain Significance.

GeneDx
Classification: Uncertain significance. Last evaluated: 2022-07-12. Review status: criteria provided, single submitter. Criteria: GeneDx Variant Classification Process June 2021. Collection method: clinical testing. Allele origin: germline. Affected: yes.
Comment: Not observed at significant frequency in large population cohorts (gnomAD); In silico analysis supports that this missense variant has a deleterious effect on protein structure/function; Has not been previously published as pathogenic or benign to our knowledge

Eurofins Ntd Llc (ga)
Classification: Uncertain significance. Last evaluated: 2016-06-29. Review status: criteria provided, single submitter. Criteria: EGL Classification Definitions 2015. Collection method: clinical testing. Allele origin: germline. Observed: 2 variant alleles, 2 heterozygotes.